The following is an entry in ClinVar:

ClinVar aggregate classification (germline): Uncertain significance (1 of 4 stars; one submission).

Submission:

Labcorp Genetics (formerly Invitae), Labcorp
Classification: Uncertain significance. Last evaluated: 2024-06-22. Review status: criteria provided, single submitter. Criteria: Invitae Variant Classification Sherloc (09022015). Collection method: clinical testing. Allele origin: germline.
Comment: This sequence change replaces alanine, which is neutral and non-polar, with valine, which is neutral and non-polar, at codon 2203 of the FBN3 protein (p.Ala2203Val). This variant is not present in population databases (gnomAD no frequency). This variant has not been reported in the literature in individuals affected with FBN3-related conditions. Advanced modeling of protein sequence and biophysical properties (such as structural, functional, and spatial information, amino acid conservation, physicochemical variation, residue mobility, and thermodynamic stability) performed at Invitae indicates that this missense variant is not expected to disrupt FBN3 protein function with a negative predictive value of 80%. In summary, the available evidence is currently insufficient to determine the role of this variant in disease. Therefore, it has been classified as a Variant of Uncertain Significance.

NM_032447.5(FBN3):c.6608C>T (p.Ala2203Val)

Gene: FBN3 (fibrillin 3; minus strand). Cytogenetic location: 19p13.2.
Variant type: single nucleotide variant.
Coding change: c.6608C>T on transcript NM_032447.5 (MANE Select); coding-DNA position 6608, C replaced by T.
Protein change: p.Ala2203Val; replaces alanine 2203 with valine.
Molecular consequence: missense variant.
Genome position (GRCh38, 1-based): chr19:8,087,836, G>A on the plus strand (C>T on the coding strand, the complement: FBN3 is on the minus strand). VCF-style: chr19-8087836-G-A. GRCh37 (hg19) VCF-style: chr19-8152720-G-A.
Other names: c.6608C>T, p.Ala2203Val (NM_001321431.2); short protein forms A2203V.
Identifiers: ClinVar variation 3657476 (VCV003657476.2).